The following is an entry in ClinVar:

ClinVar aggregate classification (germline): Conflicting classifications of pathogenicity. Review status: criteria provided, conflicting classifications (1 of 4 stars). 4 submissions from 4 submitters: Uncertain significance (3); Likely benign (1). Last evaluated 2026-07-09.

Conditions:
Ehlers-Danlos syndrome, type 4 (EDSVASC). Also called: Ehlers-Danlos syndrome vascular type; Ehlers Danlos syndrome, ecchymotic type; Ehlers Danlos syndrome, arterial type; Ehlers Danlos syndrome, Sack-Barabas type; Ehlers-Danlos Syndrome Type IV. Identifiers: Orphanet 286, MedGen C0268338, MONDO:0017314, OMIM 130050.
Familial thoracic aortic aneurysm and aortic dissection (TAAD). Also called: Thoracic aortic aneurysms and dissections. Identifiers: Orphanet 91387, MedGen C4707243, MONDO:0019625.

Allele frequency attached by ClinVar (database versions not stated): gnomAD 0.00001; TOPMed 0.00001; gnomAD exomes 0.00002 and 0.00003; ExAC 0.00003; 1000 Genomes Project 30x 0.00031; 1000 Genomes Project 0.00040.
gnomAD v4.1: 17 of 1,614,068 alleles (0.0011%); highest among the groups gnomAD compares: East Asian, 0.038%; no homozygotes.

Submissions (4):

Ambry Genetics
Classification: Likely benign for Familial thoracic aortic aneurysm and aortic dissection. Last evaluated: 2026-07-09. Review status: criteria provided, single submitter. Criteria: Ambry Variant Classification Scheme 2023. Collection method: clinical testing. Allele origin: germline.

GeneDx
Classification: Uncertain significance. Last evaluated: 2024-07-31. Review status: criteria provided, single submitter. Criteria: GeneDx Variant Classification Process June 2021. Collection method: clinical testing. Allele origin: germline. Affected: yes.
Comment: Has not been previously published as pathogenic or benign to our knowledge; Not observed at significant frequency in large population cohorts (gnomAD); In silico analysis indicates that this missense variant does not alter protein structure/function; Occurs in the triple helical domain at the Y position in the canonical Gly-X-Y repeat; although this variant may have an effect on normal protein folding and function, missense substitution at the Y position is not a common mechanism of disease (HGMD)

Labcorp Genetics (formerly Invitae), Labcorp
Classification: Uncertain significance for Ehlers-Danlos syndrome, type 4. Last evaluated: 2024-05-24. Review status: criteria provided, single submitter. Criteria: Invitae Variant Classification Sherloc (09022015). Collection method: clinical testing. Allele origin: germline.
Comment: This sequence change replaces serine, which is neutral and polar, with threonine, which is neutral and polar, at codon 1154 of the COL3A1 protein (p.Ser1154Thr). This variant is present in population databases (rs147054108, gnomAD 0.02%). This variant has not been reported in the literature in individuals affected with COL3A1-related conditions. ClinVar contains an entry for this variant (Variation ID: 926540). Advanced modeling of protein sequence and biophysical properties (such as structural, functional, and spatial information, amino acid conservation, physicochemical variation, residue mobility, and thermodynamic stability) performed at Invitae indicates that this missense variant is not expected to disrupt COL3A1 protein function with a negative predictive value of 95%. In summary, the available evidence is currently insufficient to determine the role of this variant in disease. Therefore, it has been classified as a Variant of Uncertain Significance.

Color Diagnostics, LLC DBA Color Health
Classification: Uncertain significance for Familial thoracic aortic aneurysm and aortic dissection. Last evaluated: 2024-03-06. Review status: criteria provided, single submitter. Criteria: ACMG Guidelines, 2015. Collection method: clinical testing. Allele origin: germline.
Comment: This missense variant replaces serine with threonine at codon 1154 of the COL3A1 protein. Computational prediction suggests that this variant may not impact protein structure and function (internally defined REVEL score threshold <= 0.5, PMID: 27666373). To our knowledge, functional studies have not been reported for this variant. This variant has not been reported in individuals affected with COL3A1-related disorders in the literature. This variant has been identified in 5/250914 chromosomes in the general population by the Genome Aggregation Database (gnomAD). The available evidence is insufficient to determine the role of this variant in disease conclusively. Therefore, this variant is classified as a Variant of Uncertain Significance.

NM_000090.4(COL3A1):c.3461G>C (p.Ser1154Thr)

Gene: COL3A1 (collagen type III alpha 1 chain; plus strand). Cytogenetic location: 2q32.2.
Variant type: single nucleotide variant.
Coding change: c.3461G>C on transcript NM_000090.4 (MANE Select); coding-DNA position 3461, G replaced by C.
Protein change: p.Ser1154Thr; replaces serine 1154 with threonine.
Molecular consequence: missense variant.
Genome position (GRCh38, 1-based): chr2:189,008,078, G>C. VCF-style: chr2-189008078-G-C. GRCh37 (hg19) VCF-style: chr2-189872804-G-C.
Other names: short protein forms S1154T.
Identifiers: ClinVar variation 926540 (VCV000926540.14), dbSNP rs147054108, ClinGen allele CA076131.
Genomic context (GRCh38, chr2:189,008,078, plus strand): 5'-TCATGATACTTTCTTAGGGACCTGTTGGACCCAGTGGACCTCCTGGCAAAGATGGAACCA[G>C]TGGACATCCAGGTCCCATTGGACCACCAGGGCCTCGAGGTAACAGAGGTGAAAGAGGATC-3'
Protein context (NP_000081.2, residues 1144-1164): PSGPPGKDGT[Ser1154Thr]GHPGPIGPPG